The following is an entry in ClinVar:

ClinVar aggregate classification (germline): Affects (0 of 4 stars; one submission).

Conditions:
Weakened expression of D antigen.

Allele frequency attached by ClinVar (database versions not stated): gnomAD exomes below 0.00001.
gnomAD v4.1: 5 of 1,388,902 alleles (0.00036%); highest among the groups gnomAD compares: South Asian, 0.0012%; no homozygotes.

Submission:

Australian Red Cross Blood Service
Classification: Affects for Weakened expression of D antigen. Last evaluated: 2019-01-14. Review status: no assertion criteria provided. Collection method: research. Allele origin: inherited. Inheritance: Autosomal recessive inheritance. Affected: yes. Observed: 3 variant alleles, 3 hemizygotes. Clinical features observed: Weak D.
Comment: We have identified c.270G>C in three samples to date. All show reduced expression of the RhD antigen by serology.

NM_016124.6(RHD):c.270G>C (p.Trp90Cys)

Genes: RHD (Rh blood group D antigen; plus strand), RSRP1 (arginine and serine rich protein 1; minus strand). Cytogenetic location: 1p36.11.
Variant type: single nucleotide variant.
Coding change: c.270G>C on transcript NM_016124.6 (MANE Select); coding-DNA position 270, G replaced by C.
Protein change: p.Trp90Cys; replaces tryptophan 90 with cysteine.
Molecular consequence: missense variant. On other transcripts: 5 prime UTR variant (1), intron variant (1).
Genome position (GRCh38, 1-based): chr1:25,284,694, G>C. VCF-style: chr1-25284694-G-C. GRCh37 (hg19) VCF-style: chr1-25611185-G-C.
Other names: c.270G>C, p.Trp90Cys (NM_001127691.3, NM_001282868.1, NM_001282869.2 and 3 more transcripts); c.-225G>C (NM_001282867.1); c.-66-37665C>G (NM_001321772.2); short protein forms W90C.
Identifiers: ClinVar variation 619080 (VCV000619080.5), dbSNP rs1248638537, ClinGen allele CA339071212.